The following is an entry in ClinVar:

ClinVar aggregate classification (germline): Uncertain significance (1 of 4 stars; one submission).

Allele frequency attached by ClinVar (database versions not stated): gnomAD 0.00001; gnomAD exomes 0.00001; TOPMed 0.00001.
gnomAD v4.1: 21 of 1,505,358 alleles (0.0014%); highest among the groups gnomAD compares: Non-Finnish European, 0.0016%; no homozygotes.

Submission:

Labcorp Genetics (formerly Invitae), Labcorp
Classification: Uncertain significance. Last evaluated: 2022-02-21. Review status: criteria provided, single submitter. Criteria: Invitae Variant Classification Sherloc (09022015). Collection method: clinical testing. Allele origin: germline.
Comment: In summary, the available evidence is currently insufficient to determine the role of this variant in disease. Therefore, it has been classified as a Variant of Uncertain Significance. Algorithms developed to predict the effect of missense changes on protein structure and function output the following: SIFT: "Tolerated"; PolyPhen-2: "Benign"; Align-GVGD: "Class C0". The serine amino acid residue is found in multiple mammalian species, which suggests that this missense change does not adversely affect protein function. This variant has not been reported in the literature in individuals affected with COL13A1-related conditions. This variant is not present in population databases (gnomAD no frequency). This sequence change replaces threonine, which is neutral and polar, with serine, which is neutral and polar, at codon 12 of the COL13A1 protein (p.Thr12Ser).

NM_001368882.1(COL13A1):c.35C>G (p.Thr12Ser)

Gene: COL13A1 (collagen type XIII alpha 1 chain; plus strand). Cytogenetic location: 10q22.1.
Variant type: single nucleotide variant.
Coding change: c.35C>G on transcript NM_001368882.1 (MANE Select); coding-DNA position 35, C replaced by G.
Protein change: p.Thr12Ser; replaces threonine 12 with serine.
Molecular consequence: missense variant. On other transcripts: 5 prime UTR variant (1).
Genome position (GRCh38, 1-based): chr10:69,802,458, C>G. VCF-style: chr10-69802458-C-G. GRCh37 (hg19) VCF-style: chr10-71562214-C-G.
Other names: c.35C>G, p.Thr12Ser (NM_001130103.2, NM_001320951.2, NM_001368883.1 and 11 more transcripts); c.-619C>G (NM_001368886.1); short protein forms T12S.
Identifiers: ClinVar variation 1982643 (VCV001982643.4), dbSNP rs1042575317, ClinGen allele CA209356482.